The following is an entry in ClinVar:

ClinVar aggregate classification (germline): Uncertain significance (1 of 4 stars; one submission).

Conditions:
Hereditary cancer-predisposing syndrome. Also called: Neoplastic Syndromes, Hereditary; Tumor predisposition; Hereditary Cancer Syndrome; Hereditary neoplastic syndrome. Identifiers: Orphanet 140162, MedGen C0027672, MeSH D009386, MONDO:0015356.

Allele frequency attached by ClinVar (database versions not stated): gnomAD exomes below 0.00001.
gnomAD v4.1: 1 of 1,614,060 alleles (0.000062%); highest among the groups gnomAD compares: Non-Finnish European, 0.000085%; no homozygotes.

Submission:

Ambry Genetics
Classification: Uncertain significance for Hereditary cancer-predisposing syndrome. Last evaluated: 2022-06-20. Review status: criteria provided, single submitter. Criteria: Ambry Variant Classification Scheme 2023. Collection method: clinical testing. Allele origin: germline.
Comment: The p.G622V variant (also known as c.1865G>T), located in coding exon 10 of the DICER1 gene, results from a G to T substitution at nucleotide position 1865. The glycine at codon 622 is replaced by valine, an amino acid with dissimilar properties. This amino acid position is conserved. In addition, this alteration is predicted to be tolerated by in silico analysis. Since supporting evidence is limited at this time, the clinical significance of this alteration remains unclear.

NM_177438.3(DICER1):c.1865G>T (p.Gly622Val)

Gene: DICER1 (dicer 1, ribonuclease III; minus strand). Cytogenetic location: 14q32.13.
Variant type: single nucleotide variant.
Coding change: c.1865G>T on transcript NM_177438.3 (MANE Select); coding-DNA position 1865, G replaced by T.
Protein change: p.Gly622Val; replaces glycine 622 with valine.
Molecular consequence: missense variant. On other transcripts: non-coding transcript variant (6).
Genome position (GRCh38, 1-based): chr14:95,115,709, C>A on the plus strand (G>T on the coding strand, the complement: DICER1 is on the minus strand). VCF-style: chr14-95115709-C-A. GRCh37 (hg19) VCF-style: chr14-95582046-C-A.
Other names: c.1865G>T, p.Gly622Val (NM_001195573.1, NM_001271282.3, NM_001291628.2 and 13 more transcripts); c.1583G>T, p.Gly528Val (NM_001395686.1); c.1460G>T, p.Gly487Val (NM_001395687.1, NM_001395688.1, NM_001395689.1 and 3 more transcripts); c.1298G>T, p.Gly433Val (NM_001395691.1); c.182G>T, p.Gly61Val (NM_001395697.1); short protein forms G433V, G622V, G487V, G528V, G61V.
Identifiers: ClinVar variation 1781575 (VCV001781575.2), dbSNP rs2140112999, ClinGen allele CA390883958.
Genomic context (GRCh38, chr14:95,115,709, plus strand): 5'-AATGATATGATGCCATACCTATTGATGTGTCCAATGGCCGTGTTGATTGTGACTCGTGGA[C>A]CACCATCGTCAGGCCTCAACACATATGGTGGGAAAACGTCATCATCATCCATGACAGGAT-3'
Protein context (NP_803187.1, residues 612-632): PPYVLRPDDG[Gly622Val]PRVTINTAIG